The following is an entry in ClinVar:

NM_024675.4(PALB2):c.1471G>T (p.Ala491Ser)

Gene: PALB2 (partner and localizer of BRCA2; minus strand). Cytogenetic location: 16p12.2.
Variant type: single nucleotide variant.
Coding change: c.1471G>T on transcript NM_024675.4 (MANE Select); coding-DNA position 1471, G replaced by T.
Protein change: p.Ala491Ser; replaces alanine 491 with serine.
Molecular consequence: missense variant.
Genome position (GRCh38, 1-based): chr16:23,635,075, C>A on the plus strand (G>T on the coding strand, the complement: PALB2 is on the minus strand). VCF-style: chr16-23635075-C-A. GRCh37 (hg19) VCF-style: chr16-23646396-C-A.
Other names: short protein forms A491S.
Identifiers: ClinVar variation 665559 (VCV000665559.31), dbSNP rs577969558, ClinGen allele CA395131160.

ClinVar aggregate classification (germline): Uncertain significance. Review status: criteria provided, multiple submitters, no conflicts (2 of 4 stars). 4 submissions from 4 submitters: Uncertain significance (4). Last evaluated 2025-04-07.

Conditions:
Hereditary cancer-predisposing syndrome. Also called: Neoplastic Syndromes, Hereditary; Hereditary Cancer Syndrome; Tumor predisposition; Hereditary neoplastic syndrome. Identifiers: Orphanet 140162, MedGen C0027672, MeSH D009386, MONDO:0015356.
Familial cancer of breast. Also called: hereditary breast carcinoma; Hereditary breast cancer; BREAST CANCER, FAMILIAL. Identifiers: Orphanet 227535, MedGen C0346153, MONDO:0016419, OMIM 114480. Disease mechanism: loss of function.

Submissions (4):

Labcorp Genetics (formerly Invitae), Labcorp
Classification: Uncertain significance for Familial cancer of breast. Last evaluated: 2025-04-07. Review status: criteria provided, single submitter. Criteria: Invitae Variant Classification Sherloc (09022015). Collection method: clinical testing. Allele origin: germline.
Comment: This sequence change replaces alanine, which is neutral and non-polar, with serine, which is neutral and polar, at codon 491 of the PALB2 protein (p.Ala491Ser). This variant is not present in population databases (gnomAD no frequency). This variant has not been reported in the literature in individuals affected with PALB2-related conditions. ClinVar contains an entry for this variant (Variation ID: 665559). Invitae Evidence Modeling of protein sequence and biophysical properties (such as structural, functional, and spatial information, amino acid conservation, physicochemical variation, residue mobility, and thermodynamic stability) indicates that this missense variant is not expected to disrupt PALB2 protein function with a negative predictive value of 80%. In summary, the available evidence is currently insufficient to determine the role of this variant in disease. Therefore, it has been classified as a Variant of Uncertain Significance.

Ambry Genetics
Classification: Uncertain significance for Hereditary cancer-predisposing syndrome. Last evaluated: 2025-01-04. Review status: criteria provided, single submitter. Criteria: Ambry Variant Classification Scheme 2023. Collection method: clinical testing. Allele origin: germline.
Comment: The p.A491S variant (also known as c.1471G>T), located in coding exon 4 of the PALB2 gene, results from a G to T substitution at nucleotide position 1471. The alanine at codon 491 is replaced by serine, an amino acid with similar properties. This amino acid position is poorly conserved in available vertebrate species. In addition, this alteration is predicted to be tolerated by in silico analysis. Since supporting evidence is limited at this time, the clinical significance of this alteration remains unclear.

CeGaT Center for Human Genetics Tuebingen
Classification: Uncertain significance. Last evaluated: 2024-10-01. Review status: criteria provided, single submitter. Criteria: CeGaT Center For Human Genetics Tuebingen Variant Classification Criteria Version 2. Collection method: clinical testing. Allele origin: germline. Affected: yes. Observed: 1 variant allele.
Comment: PALB2: PM2, BP4

Color Diagnostics, LLC DBA Color Health
Classification: Uncertain significance for Hereditary cancer-predisposing syndrome. Last evaluated: 2019-07-09. Review status: criteria provided, single submitter. Criteria: ACMG Guidelines, 2015. Collection method: clinical testing. Allele origin: germline.
Comment: This missense variant replaces alanine with serine at codon 491 of the PALB2 protein. Computational prediction tools and conservation analyses suggest that this variant may not impact the protein function. Computational splicing tools suggest that this variant may not impact RNA splicing. To our knowledge, functional assays have not been performed for this variant nor has this variant been reported in individuals affected with hereditary cancer in the literature. This variant has not been identified in the general population by the Genome Aggregation Database (gnomAD). Available evidence is insufficient to determine the role of this variant in disease conclusively. Therefore, this variant is classified as a Variant of Uncertain Significance.